The following is an entry in ClinVar:

NM_001069.3(TUBB2A):c.413C>G (p.Ser138Cys)

Gene: TUBB2A (tubulin beta 2A class IIa; minus strand). Cytogenetic location: 6p25.2.
Variant type: single nucleotide variant.
Coding change: c.413C>G on transcript NM_001069.3 (MANE Select); coding-DNA position 413, C replaced by G.
Protein change: p.Ser138Cys; replaces serine 138 with cysteine.
Molecular consequence: missense variant.
Genome position (GRCh38, 1-based): chr6:3,154,788, G>C on the plus strand (C>G on the coding strand, the complement: TUBB2A is on the minus strand). VCF-style: chr6-3154788-G-C. GRCh37 (hg19) VCF-style: chr6-3155022-G-C.
Other names: c.158C>G, p.Ser53Cys (NM_001310315.2); short protein forms S138C, S53C.
Identifiers: ClinVar variation 3340964 (VCV003340964.1).

ClinVar aggregate classification (germline): Uncertain significance (1 of 4 stars; one submission).

Submission:

GeneDx
Classification: Uncertain significance. Last evaluated: 2024-02-08. Review status: criteria provided, single submitter. Criteria: GeneDx Variant Classification Process June 2021. Collection method: clinical testing. Allele origin: germline. Affected: yes.
Comment: Not observed at significant frequency in large population cohorts (gnomAD); In silico analysis supports that this missense variant has a deleterious effect on protein structure/function; Has not been previously published as pathogenic or benign to our knowledge.